The following is an entry in ClinVar:

ClinVar aggregate classification (germline): Uncertain significance (1 of 4 stars; one submission).

Conditions:
Familial thoracic aortic aneurysm and aortic dissection (TAAD). Also called: Thoracic aortic aneurysms and dissections. Identifiers: Orphanet 91387, MedGen C4707243, MONDO:0019625.

Submission:

Color Diagnostics, LLC DBA Color Health
Classification: Uncertain significance for Familial thoracic aortic aneurysm and aortic dissection. Last evaluated: 2024-09-17. Review status: criteria provided, single submitter. Criteria: ACMG Guidelines, 2015. Collection method: clinical testing. Allele origin: germline.
Comment: This missense variant replaces isoleucine with methionine at codon 116 of the FBN1 protein. Computational prediction suggests that this variant may not impact protein structure and function (internally defined REVEL score threshold <= 0.5, PMID: 27666373). To our knowledge, functional studies have not been reported for this variant. This variant has not been reported in individuals affected with FBN1-related disorders in the literature. This variant has not been identified in the general population by the Genome Aggregation Database (gnomAD). The available evidence is insufficient to determine the role of this variant in disease conclusively. Therefore, this variant is classified as a Variant of Uncertain Significance.

NM_000138.5(FBN1):c.348A>G (p.Ile116Met)

Gene: FBN1 (fibrillin 1; minus strand). Cytogenetic location: 15q21.1.
Variant type: single nucleotide variant.
Coding change: c.348A>G on transcript NM_000138.5 (MANE Select); coding-DNA position 348, A replaced by G.
Protein change: p.Ile116Met; replaces isoleucine 116 with methionine.
Molecular consequence: missense variant.
Genome position (GRCh38, 1-based): chr15:48,600,233, T>C on the plus strand (A>G on the coding strand, the complement: FBN1 is on the minus strand). VCF-style: chr15-48600233-T-C. GRCh37 (hg19) VCF-style: chr15-48892430-T-C.
Other names: c.348A>G, p.Ile116Met (NM_001406716.1, NM_001406717.1); short protein forms I116M.
Identifiers: ClinVar variation 3894063 (VCV003894063.1).